The following is an entry in ClinVar:

ClinVar aggregate classification (germline): Uncertain significance. Review status: criteria provided, multiple submitters, no conflicts (2 of 4 stars). 2 submissions from 2 submitters: Uncertain significance (2). Last evaluated 2024-04-12.

Conditions:
Inborn genetic diseases. Identifiers: MedGen C0950123, MeSH D030342.

Allele frequency attached by ClinVar (database versions not stated): gnomAD exomes 0.00001; TOPMed 0.00001.
gnomAD v4.1: 12 of 1,614,186 alleles (0.00074%); highest among the groups gnomAD compares: Non-Finnish European, 0.001%; no homozygotes.

Submissions (2):

GeneDx
Classification: Uncertain significance. Last evaluated: 2024-04-12. Review status: criteria provided, single submitter. Criteria: GeneDx Variant Classification Process June 2021. Collection method: clinical testing. Allele origin: germline. Affected: yes.
Comment: Not observed at significant frequency in large population cohorts (gnomAD); In silico analysis supports that this missense variant has a deleterious effect on protein structure/function; Has not been previously published as pathogenic or benign to our knowledge

Ambry Genetics
Classification: Uncertain significance for Inborn genetic diseases. Last evaluated: 2022-12-13. Review status: criteria provided, single submitter. Criteria: Ambry Variant Classification Scheme 2023. Collection method: clinical testing. Allele origin: germline.

NM_004369.4(COL6A3):c.3574C>T (p.Arg1192Cys)

Gene: COL6A3 (collagen type VI alpha 3 chain; minus strand). Cytogenetic location: 2q37.3.
Variant type: single nucleotide variant.
Coding change: c.3574C>T on transcript NM_004369.4 (MANE Select); coding-DNA position 3574, C replaced by T.
Protein change: p.Arg1192Cys; replaces arginine 1192 with cysteine.
Molecular consequence: missense variant.
Genome position (GRCh38, 1-based): chr2:237,374,517, G>A on the plus strand (C>T on the coding strand, the complement: COL6A3 is on the minus strand). VCF-style: chr2-237374517-G-A. GRCh37 (hg19) VCF-style: chr2-238283160-G-A.
Other names: c.2353C>T, p.Arg785Cys (NM_057164.5); c.2956C>T, p.Arg986Cys (NM_057165.5, NM_057167.4); c.1753C>T, p.Arg585Cys (NM_057166.5); short protein forms R986C, R585C, R785C, R1192C.
Identifiers: ClinVar variation 2223621 (VCV002223621.3), dbSNP rs2077779528, ClinGen allele CA351201956.
Genomic context (GRCh38, chr2:237,374,517, plus strand): 5'-CCTCGCGGGTGAGCTGGGTCACCCTCTCAGAGATGACCTGTTGGACGGTCCCCAGCTGGC[G>A]AAAGGTGGGAATGGCCACGGCAAAGTCCGGGATGAAGGAGATGGTCTGCATCTCTGTGAT-3'
Protein context (NP_004360.2, residues 1182-1202): PDFAVAIPTF[Arg1192Cys]QLGTVQQVIS